The following is an entry in ClinVar:

ClinVar aggregate classification (germline): Pathogenic (1 of 4 stars; one submission).

Submission:

Labcorp Genetics (formerly Invitae), Labcorp
Classification: Pathogenic. Last evaluated: 2025-06-02. Review status: criteria provided, single submitter. Criteria: Invitae Variant Classification Sherloc (09022015). Collection method: clinical testing. Allele origin: germline.
Comment: This sequence change affects a donor splice site in intron 4 of the SERPING1 gene. It is expected to disrupt RNA splicing. Variants that disrupt the donor or acceptor splice site typically lead to a loss of protein function (PMID: 16199547), and loss-of-function variants in SERPING1 are known to be pathogenic (PMID: 11112899, 24456027). This variant is not present in population databases (gnomAD no frequency). Disruption of this splice site has been observed in individuals with hereditary angiodema (PMID: 18586324). ClinVar contains an entry for this variant (Variation ID: 1459535). Algorithms developed to predict the effect of sequence changes on RNA splicing suggest that this variant may disrupt the consensus splice site. For these reasons, this variant has been classified as Pathogenic.

Literature cited by the submitters: PubMed 16199547; PubMed 11112899; PubMed 24456027; PubMed 18586324.

NM_000062.3(SERPING1):c.685+2T>G

Gene: SERPING1 (serpin family G member 1; plus strand). Cytogenetic location: 11q12.1.
Variant type: single nucleotide variant.
Coding change: c.685+2T>G on transcript NM_000062.3 (MANE Select); the canonical splice donor site of the intron after coding-DNA position 685, T replaced by G.
Molecular consequence: splice donor variant.
Genome position (GRCh38, 1-based): chr11:57,602,171, T>G. VCF-style: chr11-57602171-T-G. GRCh37 (hg19) VCF-style: chr11-57369644-T-G.
Other names: c.685+2T>G (NM_001032295.2).
Identifiers: ClinVar variation 1459535 (VCV001459535.6), dbSNP rs111709785, ClinGen allele CA380697594.